The following is an entry in ClinVar:

NM_004055.5(CAPN5):c.23A>G (p.Tyr8Cys)

Gene: CAPN5 (calpain 5; plus strand). Cytogenetic location: 11q13.5.
Variant type: single nucleotide variant.
Coding change: c.23A>G on transcript NM_004055.5 (MANE Select); coding-DNA position 23, A replaced by G.
Protein change: p.Tyr8Cys; replaces tyrosine 8 with cysteine.
Molecular consequence: missense variant.
Genome position (GRCh38, 1-based): chr11:77,084,909, A>G. VCF-style: chr11-77084909-A-G. GRCh37 (hg19) VCF-style: chr11-76795955-A-G.
Other names: c.23A>G (NM_004055.4); short protein forms Y8C.
Identifiers: ClinVar variation 1013862 (VCV001013862.10), dbSNP rs1270133592, ClinGen allele CA381926475.

ClinVar aggregate classification (germline): Uncertain significance. Review status: criteria provided, multiple submitters, no conflicts (2 of 4 stars). 3 submissions from 3 submitters: Uncertain significance (3). Last evaluated 2024-10-21.

Conditions:
Inborn genetic diseases. Identifiers: MedGen C0950123, MeSH D030342.

Allele frequency attached by ClinVar (database versions not stated): gnomAD exomes below 0.00001 and 0.00001; TOPMed 0.00002; gnomAD 0.00003 and 0.00004.
gnomAD v4.1: 10 of 1,613,896 alleles (0.00062%); highest among the groups gnomAD compares: African/African-American, 0.004%; no homozygotes.

Submissions (3):

Ambry Genetics
Classification: Uncertain significance for Inborn genetic diseases. Last evaluated: 2024-10-21. Review status: criteria provided, single submitter. Criteria: Ambry Variant Classification Scheme 2023. Collection method: clinical testing. Allele origin: germline.

Labcorp Genetics (formerly Invitae), Labcorp
Classification: Uncertain significance. Last evaluated: 2023-11-19. Review status: criteria provided, single submitter. Criteria: Invitae Variant Classification Sherloc (09022015). Collection method: clinical testing. Allele origin: germline.
Comment: This sequence change replaces tyrosine, which is neutral and polar, with cysteine, which is neutral and slightly polar, at codon 8 of the CAPN5 protein (p.Tyr8Cys). This variant is present in population databases (no rsID available, gnomAD 0.008%). This variant has not been reported in the literature in individuals affected with CAPN5-related conditions. ClinVar contains an entry for this variant (Variation ID: 1013862). An algorithm developed to predict the effect of missense changes on protein structure and function (PolyPhen-2) suggests that this variant is likely to be disruptive. In summary, the available evidence is currently insufficient to determine the role of this variant in disease. Therefore, it has been classified as a Variant of Uncertain Significance.

Blueprint Genetics
Classification: Uncertain significance. Last evaluated: 2021-11-07. Review status: criteria provided, single submitter. Criteria: ACMG Guidelines, 2015. Collection method: clinical testing. Allele origin: germline.